The following is an entry in ClinVar:

ClinVar aggregate classification (germline): Conflicting classifications of pathogenicity. Review status: criteria provided, conflicting classifications (1 of 4 stars). 5 submissions from 5 submitters: Likely pathogenic (1); Uncertain significance (2). 2 of the submissions do not count toward it. Last evaluated 2025-05-16.

Conditions:
Idiopathic Pulmonary Fibrosis. Also called: Idiopathic fibrosing alveolitis, chronic form; idiopathic fibrosing alveolitis. Identifiers: Orphanet 2032, MedGen C1800706, MeSH D054990, MONDO:0800504.
Dyskeratosis congenita, autosomal dominant 2. Identifiers: MedGen C3151443, MONDO:0013521, OMIM 613989.
Pulmonary fibrosis and/or bone marrow failure, Telomere-related, 1. Also called: PULMONARY FIBROSIS AND/OR BONE MARROW FAILURE SYNDROME, TELOMERE-RELATED, 1. Identifiers: Orphanet 88, MedGen C3553617, MONDO:0013878, OMIM 614742.
Dyskeratosis congenita. Identifiers: Orphanet 1775, MedGen C0265965, MONDO:0015780.

Allele frequency attached by ClinVar (database versions not stated): gnomAD 0.00001; TOPMed 0.00001.
gnomAD v4.1: 1 of 1,612,418 alleles (0.000062%); highest among the groups gnomAD compares: Non-Finnish European, 0.000085%; no homozygotes.

Submissions (5):

Ambry Genetics
Classification: Uncertain significance for Dyskeratosis congenita. Last evaluated: 2025-05-16. Review status: criteria provided, single submitter. Criteria: Ambry Variant Classification Scheme 2023. Collection method: clinical testing. Allele origin: germline.
Comment: The p.P771L variant (also known as c.2312C>T), located in coding exon 7 of the TERT gene, results from a C to T substitution at nucleotide position 2312. The proline at codon 771 is replaced by leucine, an amino acid with similar properties. This amino acid position is highly conserved in available vertebrate species. In addition, this alteration is predicted to be deleterious by in silico analysis. Based on the available evidence, the clinical significance of this variant remains unclear.

Molecular Genetics and NGS Laboratory, Hospital Fundacion Valle Del Lili
Classification: Likely pathogenic for Pulmonary fibrosis and/or bone marrow failure, Telomere-related, 1. Last evaluated: 2024-08-05. Review status: criteria provided, single submitter. Criteria: ACMG Guidelines, 2015. Collection method: clinical testing. Allele origin: germline. Affected: yes. Observed: 1 variant allele.

Labcorp Genetics (formerly Invitae), Labcorp
Classification: Uncertain significance for Dyskeratosis congenita, autosomal dominant 2; Idiopathic Pulmonary Fibrosis. Last evaluated: 2024-04-15. Review status: criteria provided, single submitter. Criteria: Invitae Variant Classification Sherloc (09022015). Collection method: clinical testing. Allele origin: germline.
Comment: This sequence change replaces proline, which is neutral and non-polar, with leucine, which is neutral and non-polar, at codon 771 of the TERT protein (p.Pro771Leu). This variant is not present in population databases (gnomAD no frequency). This missense change has been observed in individual(s) with myelodysplastic syndrome (PMID: 34019641). ClinVar contains an entry for this variant (Variation ID: 1297703). Advanced modeling of protein sequence and biophysical properties (such as structural, functional, and spatial information, amino acid conservation, physicochemical variation, residue mobility, and thermodynamic stability) performed at Invitae indicates that this missense variant is expected to disrupt TERT protein function with a positive predictive value of 95%. Experimental studies have shown that this missense change affects TERT function (PMID: 34019641). In summary, the available evidence is currently insufficient to determine the role of this variant in disease. Therefore, it has been classified as a Variant of Uncertain Significance.

Clinical Genetics DNA and cytogenetics Diagnostics Lab, Erasmus MC, Erasmus Medical Center
Classification: Likely pathogenic. Review status: no assertion criteria provided. Collection method: clinical testing. Allele origin: germline. Affected: yes. Study: VKGL Data-share Consensus. Not counted in ClinVar's aggregate classification.

Joint Genome Diagnostic Labs from Nijmegen and Maastricht, Radboudumc and MUMC+
Classification: Likely pathogenic. Review status: no assertion criteria provided. Collection method: clinical testing. Allele origin: germline. Affected: yes. Study: VKGL Data-share Consensus. Not counted in ClinVar's aggregate classification.

Literature cited by the submitters: PubMed 34019641 (cited by Labcorp Genetics (formerly Invitae), Labcorp).

NM_198253.3(TERT):c.2312C>T (p.Pro771Leu)

Gene: TERT (telomerase reverse transcriptase; minus strand). Cytogenetic location: 5p15.33.
Variant type: single nucleotide variant.
Coding change: c.2312C>T on transcript NM_198253.3 (MANE Select); coding-DNA position 2312, C replaced by T.
Protein change: p.Pro771Leu; replaces proline 771 with leucine.
Molecular consequence: missense variant.
Genome position (GRCh38, 1-based): chr5:1,272,255, G>A on the plus strand (C>T on the coding strand, the complement: TERT is on the minus strand). VCF-style: chr5-1272255-G-A. GRCh37 (hg19) VCF-style: chr5-1272370-G-A.
Other names: p.Phe555Cys; c.2312C>T (NM_198253.2); c.2312C>T, p.Pro771Leu (NM_001193376.3); short protein forms P771L.
Identifiers: ClinVar variation 1297703 (VCV001297703.9), dbSNP rs1309399887, ClinGen allele CA359076428.